The following is an entry in ClinVar:

NM_022124.6(CDH23):c.6049+1G>T

Gene: CDH23 (cadherin related 23; plus strand). Cytogenetic location: 10q22.1.
Variant type: single nucleotide variant.
Coding change: c.6049+1G>T on transcript NM_022124.6 (MANE Select); the canonical splice donor site of the intron after coding-DNA position 6049, G replaced by T.
Molecular consequence: splice donor variant.
Genome position (GRCh38, 1-based): chr10:71,790,414, G>T. VCF-style: chr10-71790414-G-T. GRCh37 (hg19) VCF-style: chr10-73550171-G-T.
Identifiers: ClinVar variation 1067318 (VCV001067318.11), dbSNP rs111033247, ClinGen allele CA377151349.

ClinVar aggregate classification (germline): Pathogenic (1 of 4 stars; one submission).

Submission:

Labcorp Genetics (formerly Invitae), Labcorp
Classification: Pathogenic. Last evaluated: 2022-10-28. Review status: criteria provided, single submitter. Criteria: Invitae Variant Classification Sherloc (09022015). Collection method: clinical testing. Allele origin: germline.
Comment: This variant is not present in population databases (gnomAD no frequency). For these reasons, this variant has been classified as Pathogenic. Algorithms developed to predict the effect of sequence changes on RNA splicing suggest that this variant may disrupt the consensus splice site. ClinVar contains an entry for this variant (Variation ID: 1067318). Disruption of this splice site has been observed in individual(s) with Usher syndrome (PMID: 8894709, 11090341). It has also been observed to segregate with disease in related individuals. This sequence change affects a donor splice site in intron 46 of the CDH23 gene. It is expected to disrupt RNA splicing. Variants that disrupt the donor or acceptor splice site typically lead to a loss of protein function (PMID: 16199547), and loss-of-function variants in CDH23 are known to be pathogenic (PMID: 11138009, 21940737).

Literature cited by the submitters: PubMed 8894709; PubMed 11090341; PubMed 16199547; PubMed 11138009; PubMed 21940737.